The following is an entry in ClinVar:

ClinVar aggregate classification (germline): Likely pathogenic (1 of 4 stars; one submission).

Submission:

GeneDx
Classification: Likely pathogenic. Last evaluated: 2016-09-29. Review status: criteria provided, single submitter. Criteria: GeneDx Variant Classification (06012015). Collection method: clinical testing. Allele origin: germline. Affected: yes.
Comment: The c.3002_3003delGCinsTT variant has not been reported previously as a pathogenic variant, nor as a benign variant, to our knowledge. The c.3002_3003delGCinsTT variant in the ADAR gene causes a substitution of Leucine for Arginine at codon 1001, denoted p.R1001L. A nucleotide change (c.3002 G>Y) resulting in the same amino acid substitution (R1001L) as well as another missense variant at the same codon (R1001C) have been reported as heterozygous variants in families with autosomal dominant dyschromatosis symmetrica hereditaria (Lai et al., 2012; Liu et al., 2014). The c.3002_3003delGCinsTT variant was not observed in approximately 6,500 individuals of European and African American ancestry in the NHLBI Exome Sequencing Project, indicating it is not a common benign variant in these populations. The c.3002_3003delGCinsTT (aka p.R1001L) variant is a non-conservative amino acid substitution, which is likely to impact secondary protein structure as these residues differ in polarity, charge, size and/or other properties. This substitution occurs at a position that is conserved across species. In silico analysis predicts this variant is probably damaging to the protein structure/function. Therefore, we interpret c.3002_3003delGCinsTT as a likely pathogenic variant.

NM_001111.5(ADAR):c.3002_3003delinsTT (p.Arg1001Leu)

Gene: ADAR (adenosine deaminase RNA specific; minus strand). Cytogenetic location: 1q21.3.
Variant type: Indel.
Coding change: c.3002_3003delinsTT on transcript NM_001111.5 (MANE Select); coding-DNA positions 3002 to 3003, GC replaced by TT.
Protein change: p.Arg1001Leu; replaces arginine 1001 with leucine.
Molecular consequence: missense variant.
Genome position (GRCh38, 1-based): chr1:154,588,141-154,588,142, GC replaced by AA on the plus strand (GC replaced by TT on the coding strand, the reverse complement: ADAR is on the minus strand). VCF-style: chr1-154588141-GC-AA. GRCh37 (hg19) VCF-style: chr1-154560617-GC-AA.
Other names: c.3002_3003delinsTT, p.Arg1001Leu (LRG_1212t1); c.2117_2118delinsTT, p.Arg706Leu (NM_001025107.3, NM_001193495.2, NM_001365046.1 and 2 more transcripts); c.3029_3030delinsTT, p.Arg1010Leu (NM_001365045.1); c.2039_2040delinsTT, p.Arg680Leu (NM_001365049.1); c.2924_2925delinsTT, p.Arg975Leu (NM_015840.4); c.2867_2868delinsTT, p.Arg956Leu (NM_015841.4); short protein forms R975L, R1001L, R680L, R1010L, R706L, R956L.
Identifiers: ClinVar variation 422292 (VCV000422292.1), dbSNP rs1064795689, ClinGen allele CA16616993.